The following is an entry in ClinVar:

NM_014679.5(CEP57):c.1093C>G (p.Gln365Glu)

Gene: CEP57 (centrosomal protein 57; plus strand). Cytogenetic location: 11q21.
Variant type: single nucleotide variant.
Coding change: c.1093C>G on transcript NM_014679.5 (MANE Select); coding-DNA position 1093, C replaced by G.
Protein change: p.Gln365Glu; replaces glutamine 365 with glutamic acid.
Molecular consequence: missense variant.
Genome position (GRCh38, 1-based): chr11:95,827,993, C>G. VCF-style: chr11-95827993-C-G. GRCh37 (hg19) VCF-style: chr11-95561157-C-G.
Other names: c.1066C>G, p.Gln356Glu (NM_001243776.2); c.1015C>G, p.Gln339Glu (NM_001243777.2); c.1012C>G, p.Gln338Glu (NM_001363604.2); short protein forms Q339E, Q356E, Q365E, Q338E.
Identifiers: ClinVar variation 3831934 (VCV003831934.1).

ClinVar aggregate classification (germline): Uncertain significance (1 of 4 stars; one submission).

Conditions:
Inborn genetic diseases. Identifiers: MedGen C0950123, MeSH D030342.

gnomAD v4.1: 1 of 1,613,722 alleles (0.000062%); no homozygotes.

Submission:

Ambry Genetics
Classification: Uncertain significance for Inborn genetic diseases. Last evaluated: 2024-12-15. Review status: criteria provided, single submitter. Criteria: Ambry Variant Classification Scheme 2023. Collection method: clinical testing. Allele origin: germline.
Comment: The p.Q365E variant (also known as c.1093C>G), located in coding exon 9 of the CEP57 gene, results from a C to G substitution at nucleotide position 1093. The glutamine at codon 365 is replaced by glutamic acid, an amino acid with highly similar properties. This amino acid position is conserved. In addition, this alteration is predicted to be tolerated by in silico analysis. Based on the available evidence, the clinical significance of this variant remains unclear.